The following is an entry in ClinVar:

ClinVar aggregate classification (germline): Uncertain significance (1 of 4 stars; one submission).

Conditions:
Hereditary cancer-predisposing syndrome. Also called: Neoplastic Syndromes, Hereditary; Tumor predisposition; Hereditary Cancer Syndrome; Hereditary neoplastic syndrome. Identifiers: Orphanet 140162, MedGen C0027672, MeSH D009386, MONDO:0015356.

Submission:

Ambry Genetics
Classification: Uncertain significance for Hereditary cancer-predisposing syndrome. Last evaluated: 2021-03-24. Review status: criteria provided, single submitter. Criteria: Ambry Variant Classification Scheme 2023. Collection method: clinical testing. Allele origin: germline.
Comment: The p.T589P variant (also known as c.1765A>C), located in coding exon 5 of the PALB2 gene, results from an A to C substitution at nucleotide position 1765. The threonine at codon 589 is replaced by proline, an amino acid with highly similar properties. This amino acid position is poorly conserved in available vertebrate species. In addition, this alteration is predicted to be tolerated by in silico analysis. Since supporting evidence is limited at this time, the clinical significance of this alteration remains unclear.

NM_024675.4(PALB2):c.1765A>C (p.Thr589Pro)

Gene: PALB2 (partner and localizer of BRCA2; minus strand). Cytogenetic location: 16p12.2.
Variant type: single nucleotide variant.
Coding change: c.1765A>C on transcript NM_024675.4 (MANE Select); coding-DNA position 1765, A replaced by C.
Protein change: p.Thr589Pro; replaces threonine 589 with proline.
Molecular consequence: missense variant.
Genome position (GRCh38, 1-based): chr16:23,630,389, T>G on the plus strand (A>C on the coding strand, the complement: PALB2 is on the minus strand). VCF-style: chr16-23630389-T-G. GRCh37 (hg19) VCF-style: chr16-23641710-T-G.
Other names: c.1705A>C, p.Thr569Pro (NM_001407296.1); c.1765A>C, p.Thr589Pro (NM_001407297.1, NM_001407298.1, NM_001407299.1 and 3 more transcripts); c.880A>C, p.Thr294Pro (NM_001407304.1, NM_001407305.1, NM_001407306.1 and 5 more transcripts); c.-24A>C (NM_001407312.1, NM_001407313.1); short protein forms T569P, T294P, T589P.
Identifiers: ClinVar variation 1779656 (VCV001779656.2), dbSNP rs1437053825, ClinGen allele CA395128204.